The following is an entry in ClinVar:

ClinVar aggregate classification (germline): Uncertain significance (1 of 4 stars; one submission).

Conditions:
Neurodevelopmental disorder with severe motor impairment and absent language. Also called: NEURODEVELOPMENTAL DISORDER WITH VARIABLE MOTOR AND LANGUAGE IMPAIRMENT. Identifiers: Orphanet 647788, MedGen C4540496, MONDO:0060622, OMIM 617804.

Submission:

Juno Genomics, Hangzhou Juno Genomics, Inc
Classification: Uncertain significance for Neurodevelopmental disorder with severe motor impairment and absent language. Review status: criteria provided, single submitter. Criteria: ACMG Guidelines, 2015. Collection method: clinical testing. Allele origin: germline. Affected: yes.
Comment: Null variant in a gene where loss of function (LOF) is a known mechanism of disease.;Absent from controls (or at extremely low frequency if recessive) in Genome Aggregation Database, Exome Sequencing Project, 1000 Genomes Project, or Exome Aggregation Consortium.;De novo (both maternity and paternity confirmed) in a patient with the disease and no family history.

NM_138615.3(DHX30):c.1030C>T (p.Arg344Ter)

Gene: DHX30 (DExH-box helicase 30; plus strand). Cytogenetic location: 3p21.31.
Variant type: single nucleotide variant.
Coding change: c.1030C>T on transcript NM_138615.3 (MANE Select); coding-DNA position 1030, C replaced by T.
Protein change: p.Arg344Ter; replaces arginine 344 with a stop codon.
Molecular consequence: nonsense.
Genome position (GRCh38, 1-based): chr3:47,845,790, C>T. VCF-style: chr3-47845790-C-T. GRCh37 (hg19) VCF-style: chr3-47887280-C-T.
Other names: c.946C>T, p.Arg316Ter (NM_001330990.2); c.913C>T, p.Arg305Ter (NM_014966.4); short protein forms R305*, R316*, R344*.
Identifiers: ClinVar variation 3382630 (VCV003382630.2).